The following is an entry in ClinVar:

ClinVar aggregate classification (germline): Uncertain significance. Review status: criteria provided, multiple submitters, no conflicts (2 of 4 stars). 2 submissions from 2 submitters: Uncertain significance (2). Last evaluated 2023-01-23.

Conditions:
Inborn genetic diseases. Identifiers: MedGen C0950123, MeSH D030342.

Allele frequency attached by ClinVar (database versions not stated): gnomAD exomes below 0.00001 and 0.00003; TOPMed 0.00001; gnomAD 0.00002.
gnomAD v4.1: 49 of 1,613,676 alleles (0.003%); highest among the groups gnomAD compares: Non-Finnish European, 0.0041%; no homozygotes.

Submissions (2):

Ambry Genetics
Classification: Uncertain significance for Inborn genetic diseases. Last evaluated: 2023-01-23. Review status: criteria provided, single submitter. Criteria: Ambry Variant Classification Scheme 2023. Collection method: clinical testing. Allele origin: germline.

Labcorp Genetics (formerly Invitae), Labcorp
Classification: Uncertain significance. Last evaluated: 2021-09-26. Review status: criteria provided, single submitter. Criteria: Invitae Variant Classification Sherloc (09022015). Collection method: clinical testing. Allele origin: germline.
Comment: Algorithms developed to predict the effect of missense changes on protein structure and function output the following: SIFT: "Deleterious"; PolyPhen-2: "Benign"; Align-GVGD: "Class C0". The lysine amino acid residue is found in multiple mammalian species, which suggests that this missense change does not adversely affect protein function. This variant has not been reported in the literature in individuals affected with DSG1-related conditions. This variant is not present in population databases (ExAC no frequency). This sequence change replaces glutamic acid with lysine at codon 667 of the DSG1 protein (p.Glu667Lys). The glutamic acid residue is highly conserved and there is a small physicochemical difference between glutamic acid and lysine. In summary, the available evidence is currently insufficient to determine the role of this variant in disease. Therefore, it has been classified as a Variant of Uncertain Significance.

NM_001942.4(DSG1):c.1999G>A (p.Glu667Lys)

Genes: DSG1 (desmoglein 1; plus strand), DSG1-AS1 (DSG1 antisense RNA 1; minus strand). Cytogenetic location: 18q12.1.
Variant type: single nucleotide variant.
Coding change: c.1999G>A on transcript NM_001942.4 (MANE Select); coding-DNA position 1999, G replaced by A.
Protein change: p.Glu667Lys; replaces glutamic acid 667 with lysine.
Molecular consequence: missense variant.
Genome position (GRCh38, 1-based): chr18:31,346,097, G>A. VCF-style: chr18-31346097-G-A. GRCh37 (hg19) VCF-style: chr18-28926060-G-A.
Other names: c.1999G>A (NM_001942.2); short protein forms E667K.
Identifiers: ClinVar variation 1477892 (VCV001477892.7), dbSNP rs778940314, ClinGen allele CA297701123.